The following is an entry in ClinVar:

NM_032357.4(CCDC115):c.215+3G>C

Gene: CCDC115 (coiled-coil domain containing 115; minus strand). Cytogenetic location: 2q21.1.
Variant type: single nucleotide variant.
Coding change: c.215+3G>C on transcript NM_032357.4 (MANE Select); 3 bases into the intron after coding-DNA position 215, G replaced by C.
Molecular consequence: intron variant.
Genome position (GRCh38, 1-based): chr2:130,341,838, C>G on the plus strand (G>C on the coding strand, the complement: CCDC115 is on the minus strand). VCF-style: chr2-130341838-C-G. GRCh37 (hg19) VCF-style: chr2-131099411-C-G.
Other names: c.200+3G>C (NM_001321118.1); c.191+3G>C (NM_001321119.2).
Identifiers: ClinVar variation 1361523 (VCV001361523.4), dbSNP rs777068692, ClinGen allele CA1871339.
Genomic context (GRCh38, chr2:130,341,838, plus strand): 5'-TTGGCAGCCCGGGCCTAGAACGCGCCCGCCCGCCCACCCAGCCCAGCATGGAAGCTTCCT[C>G]ACCTGGCGTGGAGGCAGACCTGGGGCTCCATGTGGGAAGCATACTGCAGGGGCCCTACCG-3'

ClinVar aggregate classification (germline): Uncertain significance (1 of 4 stars; one submission).

gnomAD v4.1: 31 of 1,150,976 alleles (0.0027%); highest among the groups gnomAD compares: Non-Finnish European, 0.0038%; no homozygotes.

Submission:

Labcorp Genetics (formerly Invitae), Labcorp
Classification: Uncertain significance. Last evaluated: 2022-09-29. Review status: criteria provided, single submitter. Criteria: Invitae Variant Classification Sherloc (09022015). Collection method: clinical testing. Allele origin: germline.
Comment: This variant has not been reported in the literature in individuals affected with CCDC115-related conditions. In summary, the available evidence is currently insufficient to determine the role of this variant in disease. Therefore, it has been classified as a Variant of Uncertain Significance. Variants that disrupt the consensus splice site are a relatively common cause of aberrant splicing (PMID: 17576681, 9536098). Algorithms developed to predict the effect of sequence changes on RNA splicing suggest that this variant may create or strengthen a splice site. ClinVar contains an entry for this variant (Variation ID: 1361523). This variant is present in population databases (rs777068692, gnomAD 0.004%). This sequence change falls in intron 2 of the CCDC115 gene. It does not directly change the encoded amino acid sequence of the CCDC115 protein. It affects a nucleotide within the consensus splice site.

Literature cited by the submitters: PubMed 17576681; PubMed 9536098.